The following is an entry in ClinVar:

ClinVar aggregate classification (germline): Likely pathogenic (1 of 4 stars; one submission).

Conditions:
Hereditary spastic paraplegia 15 (SPG15). Also called: SPASTIC PARAPLEGIA 15, AUTOSOMAL RECESSIVE; KJELLIN SYNDROME; SPASTIC PARAPLEGIA AND RETINAL DEGENERATION. Identifiers: Orphanet 100996, MedGen C1849128, MONDO:0010044, OMIM 270700.

Submission:

Myriad Genetics, Inc.
Classification: Likely pathogenic for Hereditary spastic paraplegia 15. Last evaluated: 2022-03-14. Review status: criteria provided, single submitter. Criteria: Myriad Women's Health Autosomal Recessive and X-Linked Classification Criteria (2021). Collection method: clinical testing. Allele origin: unknown.
Comment: NM_015346.3(ZFYVE26):c.4262T>A(L1421*) is expected to be pathogenic in the context of spastic paraplegia type 15. This variant is predicted to lead to an abnormal or absent protein product due to the creation of a premature termination codon in ZFYVE26, a gene where loss-of-function variants are known to be pathogenic. Please note: this variant was assessed in the context of healthy population screening.

NM_015346.4(ZFYVE26):c.4262T>A (p.Leu1421Ter)

Gene: ZFYVE26 (zinc finger FYVE-type containing 26; minus strand). Cytogenetic location: 14q24.1.
Variant type: single nucleotide variant.
Coding change: c.4262T>A on transcript NM_015346.4 (MANE Select); coding-DNA position 4262, T replaced by A.
Protein change: p.Leu1421Ter; replaces leucine 1421 with a stop codon.
Molecular consequence: nonsense.
Genome position (GRCh38, 1-based): chr14:67,782,890, A>T on the plus strand (T>A on the coding strand, the complement: ZFYVE26 is on the minus strand). VCF-style: chr14-67782890-A-T. GRCh37 (hg19) VCF-style: chr14-68249607-A-T.
Other names: short protein forms L1421*.
Identifiers: ClinVar variation 1725186 (VCV001725186.2), dbSNP rs2502805172, ClinGen allele CA390170364.
Genomic context (GRCh38, chr14:67,782,890, plus strand): 5'-TCCACATCTCGCCCGTACACTTCAGTGAGCTGAAGGGCCCGGGACCAATCTCTGGCCACC[A>T]AGGATTCCTCAAAAGCCTCACTCAGTACATCTAGGGCAATGGGAGAATGTAGGCCCAGGA-3'